The following is an entry in ClinVar:

NM_021098.3(CACNA1H):c.757G>A (p.Ala253Thr)

Gene: CACNA1H (calcium voltage-gated channel subunit alpha1 H; plus strand). Cytogenetic location: 16p13.3.
Variant type: single nucleotide variant.
Coding change: c.757G>A on transcript NM_021098.3 (MANE Select); coding-DNA position 757, G replaced by A.
Protein change: p.Ala253Thr; replaces alanine 253 with threonine.
Molecular consequence: missense variant.
Genome position (GRCh38, 1-based): chr16:1,198,728, G>A. VCF-style: chr16-1198728-G-A. GRCh37 (hg19) VCF-style: chr16-1248728-G-A.
Other names: c.757G>A, p.Ala253Thr (NM_001005407.2); short protein forms A253T.
Identifiers: ClinVar variation 1915612 (VCV001915612.6), dbSNP rs928701675, ClinGen allele CA276642572.

ClinVar aggregate classification (germline): Uncertain significance. Review status: criteria provided, multiple submitters, no conflicts (2 of 4 stars). 2 submissions from 2 submitters: Uncertain significance (2). Last evaluated 2024-05-06.

Conditions:
Hyperaldosteronism, familial, type IV (HALD4). Also called: ALDOSTERONISM, PRIMARY, AND HYPERTENSION; FH IV. Identifiers: Orphanet 642671, MedGen C4310756, MONDO:0014875, OMIM 617027.
Epilepsy, childhood absence, susceptibility to, 6. Identifiers: Orphanet 64280, MedGen C2749872, MONDO:0012763, OMIM 611942.
Idiopathic generalized epilepsy. Also called: Generalised epilepsy; EIG. Identifiers: MedGen C0270850, MONDO:0005579, OMIM 600669.

Allele frequency attached by ClinVar (database versions not stated): gnomAD 0.00001; gnomAD exomes 0.00001; TOPMed 0.00002.
gnomAD v4.1: 5 of 1,612,954 alleles (0.00031%); highest among the groups gnomAD compares: Non-Finnish European, 0.00034%; no homozygotes.

Submissions (2):

Fulgent Genetics
Classification: Uncertain significance for Epilepsy, childhood absence, susceptibility to, 6; Hyperaldosteronism, familial, type IV. Last evaluated: 2024-05-06. Review status: criteria provided, single submitter. Criteria: ACMG Guidelines, 2015. Collection method: clinical testing. Allele origin: germline.

Labcorp Genetics (formerly Invitae), Labcorp
Classification: Uncertain significance for Idiopathic generalized epilepsy; Hyperaldosteronism, familial, type IV. Last evaluated: 2023-08-17. Review status: criteria provided, single submitter. Criteria: Invitae Variant Classification Sherloc (09022015). Collection method: clinical testing. Allele origin: germline.
Comment: Advanced modeling of protein sequence and biophysical properties (such as structural, functional, and spatial information, amino acid conservation, physicochemical variation, residue mobility, and thermodynamic stability) performed at Invitae indicates that this missense variant is not expected to disrupt CACNA1H protein function. ClinVar contains an entry for this variant (Variation ID: 1915612). This variant has not been reported in the literature in individuals affected with CACNA1H-related conditions. This variant is not present in population databases (gnomAD no frequency). This sequence change replaces alanine, which is neutral and non-polar, with threonine, which is neutral and polar, at codon 253 of the CACNA1H protein (p.Ala253Thr). In summary, the available evidence is currently insufficient to determine the role of this variant in disease. Therefore, it has been classified as a Variant of Uncertain Significance.